The following is an entry in ClinVar:

ClinVar aggregate classification (germline): Pathogenic (1 of 4 stars; one submission).

Conditions:
Inborn genetic diseases. Identifiers: MedGen C0950123, MeSH D030342.

Submission:

Ambry Genetics
Classification: Pathogenic for Inborn genetic diseases. Last evaluated: 2025-09-16. Review status: criteria provided, single submitter. Criteria: Ambry Variant Classification Scheme 2023. Collection method: clinical testing. Allele origin: germline.
Comment: The c.1680delA (p.A561Qfs*3) alteration, located in exon 2 (coding exon 2) of the CDK13 gene, consists of a deletion of one nucleotide at position 1680, causing a translational frameshift with a predicted alternate stop codon after 3 amino acids. This alteration is expected to result in loss of function by premature protein truncation or nonsense-mediated mRNA decay. This variant was not reported in population-based cohorts in the Genome Aggregation Database (gnomAD). Based on the available evidence, this alteration is classified as pathogenic.

NM_003718.5(CDK13):c.1680del (p.Ala561fs)

Gene: CDK13 (cyclin dependent kinase 13; plus strand). Cytogenetic location: 7p14.1.
Variant type: Deletion.
Coding change: c.1680del on transcript NM_003718.5 (MANE Select); coding-DNA position 1680, one base deleted (A; older notation c.1680delA).
Protein change: p.Ala561fs; shifts the reading frame from alanine 561.
Molecular consequence: frameshift variant.
Genome position (GRCh38, 1-based): chr7:39,988,067, A deleted; the last of 3 consecutive A bases (chr7:39,988,065-39,988,067); deleting any one gives the same sequence. VCF-style (leftmost placement, unchanged base first): chr7-39988064-GA-G. GRCh37 (hg19) VCF-style: chr7-40027663-GA-G.
Other names: c.1680delA, p.Ala561Glnfs (NM_031267.4); short protein forms A561fs.
Identifiers: ClinVar variation 4609929 (VCV004609929.1).